The following is an entry in ClinVar:

ClinVar aggregate classification (germline): Uncertain significance. Review status: criteria provided, multiple submitters, no conflicts (2 of 4 stars). 4 submissions from 4 submitters: Uncertain significance (3). 1 of the submissions does not count toward it. Last evaluated 2022-08-08.

Conditions:
PCNT-related disorder. Also called: PCNT-related condition.

Allele frequency attached by ClinVar (database versions not stated): gnomAD 0.00001; TOPMed 0.00003.
gnomAD v4.1: 31 of 1,606,590 alleles (0.0019%); highest among the groups gnomAD compares: East Asian, 0.025%; no homozygotes.

Submissions (4):

Labcorp Genetics (formerly Invitae), Labcorp
Classification: Uncertain significance. Last evaluated: 2022-08-08. Review status: criteria provided, single submitter. Criteria: Invitae Variant Classification Sherloc (09022015). Collection method: clinical testing. Allele origin: germline.
Comment: This sequence change replaces arginine, which is basic and polar, with cysteine, which is neutral and slightly polar, at codon 362 of the PCNT protein (p.Arg362Cys). This variant is present in population databases (rs777707751, gnomAD 0.04%). This variant has not been reported in the literature in individuals affected with PCNT-related conditions. ClinVar contains an entry for this variant (Variation ID: 282085). Algorithms developed to predict the effect of missense changes on protein structure and function (SIFT, PolyPhen-2, Align-GVGD) all suggest that this variant is likely to be tolerated. In summary, the available evidence is currently insufficient to determine the role of this variant in disease. Therefore, it has been classified as a Variant of Uncertain Significance.

CeGaT Center for Human Genetics Tuebingen
Classification: Uncertain significance. Last evaluated: 2022-07-01. Review status: criteria provided, single submitter. Criteria: CeGaT Center For Human Genetics Tuebingen Variant Classification Criteria Version 2. Collection method: clinical testing. Allele origin: germline. Affected: yes. Observed: 1 variant allele.

Eurofins Ntd Llc (ga)
Classification: Uncertain significance. Last evaluated: 2015-08-19. Review status: criteria provided, single submitter. Criteria: EGL Classification Definitions 2015. Collection method: clinical testing. Allele origin: germline.

PreventionGenetics, part of Exact Sciences
Classification: Uncertain significance for PCNT-related condition. Last evaluated: 2023-12-20. Review status: no assertion criteria provided. Collection method: clinical testing. Allele origin: germline. Not counted in ClinVar's aggregate classification.
Comment: The PCNT c.1084C>T variant is predicted to result in the amino acid substitution p.Arg362Cys. To our knowledge, this variant has not been reported in the literature. This variant is reported in 0.040% of alleles in individuals of East Asian descent in gnomAD. At this time, the clinical significance of this variant is uncertain due to the absence of conclusive functional and genetic evidence.

NM_006031.6(PCNT):c.1084C>T (p.Arg362Cys)

Gene: PCNT (pericentrin; plus strand). Cytogenetic location: 21q22.3.
Variant type: single nucleotide variant.
Coding change: c.1084C>T on transcript NM_006031.6 (MANE Select); coding-DNA position 1084, C replaced by T.
Protein change: p.Arg362Cys; replaces arginine 362 with cysteine.
Molecular consequence: missense variant.
Genome position (GRCh38, 1-based): chr21:46,349,063, C>T. VCF-style: chr21-46349063-C-T. GRCh37 (hg19) VCF-style: chr21-47768977-C-T.
Other names: c.1084C>T (NM_006031.5); c.730C>T, p.Arg244Cys (NM_001315529.2); short protein forms R362C, R244C.
Identifiers: ClinVar variation 282085 (VCV000282085.32), dbSNP rs777707751, ClinGen allele CA10078511.